The following is an entry in ClinVar:

NM_213622.4(STAMBP):c.59A>G (p.Gln20Arg)

Genes: STAMBP (STAM binding protein; plus strand), LOC126806253 (CDK7 strongly-dependent group 2 enhancer GRCh37_chr2:74057585-74058784; plus strand). Cytogenetic location: 2p13.1.
Variant type: single nucleotide variant.
Coding change: c.59A>G on transcript NM_213622.4 (MANE Select); coding-DNA position 59, A replaced by G.
Protein change: p.Gln20Arg; replaces glutamine 20 with arginine.
Molecular consequence: missense variant. On other transcripts: 5 prime UTR variant (5), non-coding transcript variant (4), intron variant (1).
Genome position (GRCh38, 1-based): chr2:73,830,915, A>G. VCF-style: chr2-73830915-A-G. GRCh37 (hg19) VCF-style: chr2-74058042-A-G.
Other names: c.59A>G, p.Gln20Arg (NM_001353967.2, NM_001353968.2, NM_001353969.2 and 3 more transcripts); c.-495A>G (NM_001353971.2, NM_001353973.2, NM_001353974.2 and 2 more transcripts); c.-203+1919A>G (NM_001353972.2); short protein forms Q20R.
Identifiers: ClinVar variation 1469518 (VCV001469518.5), dbSNP rs1673830067, ClinGen allele CA347303406.

ClinVar aggregate classification (germline): Uncertain significance (1 of 4 stars; one submission).

Allele frequency attached by ClinVar (database versions not stated): gnomAD exomes below 0.00001; TOPMed below 0.00001.
gnomAD v4.1: 2 of 1,614,066 alleles (0.00012%); highest among the groups gnomAD compares: Non-Finnish European, 0.00017%; no homozygotes.

Submission:

Labcorp Genetics (formerly Invitae), Labcorp
Classification: Uncertain significance. Last evaluated: 2023-08-17. Review status: criteria provided, single submitter. Criteria: Invitae Variant Classification Sherloc (09022015). Collection method: clinical testing. Allele origin: germline.
Comment: In summary, the available evidence is currently insufficient to determine the role of this variant in disease. Therefore, it has been classified as a Variant of Uncertain Significance. Advanced modeling of protein sequence and biophysical properties (such as structural, functional, and spatial information, amino acid conservation, physicochemical variation, residue mobility, and thermodynamic stability) performed at Invitae indicates that this missense variant is not expected to disrupt STAMBP protein function. ClinVar contains an entry for this variant (Variation ID: 1469518). This variant has not been reported in the literature in individuals affected with STAMBP-related conditions. This variant is not present in population databases (gnomAD no frequency). This sequence change replaces glutamine, which is neutral and polar, with arginine, which is basic and polar, at codon 20 of the STAMBP protein (p.Gln20Arg).